The following is an entry in ClinVar:

NM_001282531.3(ADNP):c.3029A>C (p.Lys1010Thr)

Gene: ADNP (activity dependent neuroprotector homeobox; minus strand). Cytogenetic location: 20q13.13.
Variant type: single nucleotide variant.
Coding change: c.3029A>C on transcript NM_001282531.3 (MANE Select); coding-DNA position 3029, A replaced by C.
Protein change: p.Lys1010Thr; replaces lysine 1010 with threonine.
Molecular consequence: missense variant.
Genome position (GRCh38, 1-based): chr20:50,891,685, T>G on the plus strand (A>C on the coding strand, the complement: ADNP is on the minus strand). VCF-style: chr20-50891685-T-G. GRCh37 (hg19) VCF-style: chr20-49508222-T-G.
Other names: c.3029A>C, p.Lys1010Thr (NM_001282532.2, NM_001347511.2, NM_015339.5 and 1 more transcripts); c.3245A>C, p.Lys1082Thr (NM_001439000.1); c.2345A>C, p.Lys782Thr (NM_001439001.1); short protein forms K1010T, K1082T, K782T.
Identifiers: ClinVar variation 5000855 (VCV005000855.1).
Genomic context (GRCh38, chr20:50,891,685, plus strand): 5'-TTCTTCCATTTCAACTGCTCTCTGTCACCTTGCATGGTAGCCTTTTTTTTGGCAGCTGGC[T>G]TACTGCTCCTTGCATCTTCGCTTTGGGAAGACTCGTCAGACCAGGTTCCTGGTTTCATTT-3'
Protein context (NP_001269460.1, residues 1000-1020): SSQSEDARSS[Lys1010Thr]PAAKKKATMQ

ClinVar aggregate classification (germline): Uncertain significance (1 of 4 stars; one submission).

Conditions:
ADNP-related disorder. Also called: ADNP-related condition.

Submission:

PreventionGenetics, part of Exact Sciences
Classification: Uncertain significance for ADNP-related condition. Last evaluated: 2025-06-05. Review status: criteria provided, single submitter. Criteria: ACMG Guidelines, 2015. Collection method: clinical testing. Allele origin: germline.
Comment: The ADNP c.3029A>C variant is predicted to result in the amino acid substitution p.Lys1010Thr. To our knowledge, this variant has not been reported in the literature or in a large population database (gnomAD), indicating this variant is rare. Although we suspect that this variant may be pathogenic, at this time, the clinical significance of this variant is uncertain due to the absence of conclusive functional and genetic evidence.